The following is an entry in ClinVar:

ClinVar aggregate classification (germline): Likely benign (1 of 4 stars; one submission).

Conditions:
THBD-related disorder. Also called: THBD-related condition.

Submission:

PreventionGenetics, part of Exact Sciences
Classification: Likely benign for THBD-related condition. Last evaluated: 2026-07-11. Review status: criteria provided, single submitter. Criteria: ACMG Guidelines, 2015. Collection method: clinical testing. Allele origin: germline.
Comment: This variant is classified as likely benign based on ACMG/AMP sequence variant interpretation guidelines (Richards et al. 2015 PMID: 25741868, with internal and published modifications).

NC_000020.11:g.23049684A>G

Gene: THBD (thrombomodulin; minus strand). Cytogenetic location: 20p11.21.
Variant type: single nucleotide variant.
Genome position: GRCh38 VCF-style: chr20-23049684-A-G. GRCh37 (hg19) VCF-style: chr20-23030321-A-G.
Identifiers: ClinVar variation 4993617 (VCV004993617.1).